The following is an entry in ClinVar:

ClinVar aggregate classification (germline): Uncertain significance (1 of 4 stars; one submission).

Conditions:
Adams-Oliver syndrome 5 (AOS5). Identifiers: Orphanet 974, MedGen C4014970, MONDO:0014459, OMIM 616028.

Submission:

Labcorp Genetics (formerly Invitae), Labcorp
Classification: Uncertain significance for Adams-Oliver syndrome 5. Last evaluated: 2025-07-13. Review status: criteria provided, single submitter. Criteria: Invitae Variant Classification Sherloc (09022015). Collection method: clinical testing. Allele origin: germline.
Comment: This sequence change replaces serine, which is neutral and polar, with threonine, which is neutral and polar, at codon 1911 of the NOTCH1 protein (p.Ser1911Thr). This variant is not present in population databases (gnomAD no frequency). This variant has not been reported in the literature in individuals affected with NOTCH1-related conditions. Invitae Evidence Modeling of protein sequence and biophysical properties (such as structural, functional, and spatial information, amino acid conservation, physicochemical variation, residue mobility, and thermodynamic stability) indicates that this missense variant is not expected to disrupt NOTCH1 protein function with a negative predictive value of 80%. In summary, the available evidence is currently insufficient to determine the role of this variant in disease. Therefore, it has been classified as a Variant of Uncertain Significance.

NM_017617.5(NOTCH1):c.5731T>A (p.Ser1911Thr)

Gene: NOTCH1 (notch receptor 1; minus strand). Cytogenetic location: 9q34.3.
Variant type: single nucleotide variant.
Coding change: c.5731T>A on transcript NM_017617.5 (MANE Select); coding-DNA position 5731, T replaced by A.
Protein change: p.Ser1911Thr; replaces serine 1911 with threonine.
Molecular consequence: missense variant.
Genome position (GRCh38, 1-based): chr9:136,500,755, A>T on the plus strand (T>A on the coding strand, the complement: NOTCH1 is on the minus strand). VCF-style: chr9-136500755-A-T. GRCh37 (hg19) VCF-style: chr9-139395207-A-T.
Other names: short protein forms S1911T.
Identifiers: ClinVar variation 4743113 (VCV004743113.1).
Genomic context (GRCh38, chr9:136,500,755, plus strand): 5'-CGGTCTCGCCCGTGCGGTCTGTCTGGTTGTGCAGGCTGGCGCCCTGGTAGATGAAGTCGG[A>T]GATGACGGCCGGCGCGTCCTCCTCTTCCTCGCTGTTGCCCGTCTCCAGGCCGCCCCCGCT-3'
Protein context (NP_060087.3, residues 1901-1921): EEEEDAPAVI[Ser1911Thr]DFIYQGASLH